The following is an entry in ClinVar:

NM_012301.4(MAGI2):c.3855T>G (p.Thr1285=)

Gene: MAGI2 (membrane associated guanylate kinase, WW and PDZ domain containing 2; minus strand). Cytogenetic location: 7q21.11.
Variant type: single nucleotide variant.
Coding change: c.3855T>G on transcript NM_012301.4 (MANE Select); coding-DNA position 3855, T replaced by G.
Protein change: p.Thr1285=; no amino-acid change (threonine 1285 retained).
Molecular consequence: synonymous variant.
Genome position (GRCh38, 1-based): chr7:78,019,828, A>C on the plus strand (T>G on the coding strand, the complement: MAGI2 is on the minus strand). VCF-style: chr7-78019828-A-C. GRCh37 (hg19) VCF-style: chr7-77649145-A-C.
Other names: p.Thr1285=; c.3855T>G (NM_012301.3); c.3813T>G, p.Thr1271= (NM_001301128.2).
Identifiers: ClinVar variation 2156859 (VCV002156859.8), dbSNP rs569789697, ClinGen allele CA4313370.

ClinVar aggregate classification (germline): Likely benign. Review status: criteria provided, multiple submitters, no conflicts (2 of 4 stars). 4 submissions from 4 submitters: Likely benign (3). 1 of the submissions does not count toward it. Last evaluated 2025-07-23.

Conditions:
MAGI2-related disorder. Also called: MAGI2-related condition.

Allele frequency attached by ClinVar (database versions not stated): TOPMed 0.00001; 1000 Genomes Project 30x 0.00047; 1000 Genomes Project 0.00060.
gnomAD v4.1: 51 of 1,613,332 alleles (0.0032%); highest among the groups gnomAD compares: South Asian, 0.045%; no homozygotes.

Submissions (4):

Mayo Clinic Laboratories, Mayo Clinic
Classification: Likely benign. Last evaluated: 2025-07-23. Review status: criteria provided, single submitter. Criteria: ACMG Guidelines, 2015. Collection method: clinical testing. Allele origin: germline. Observed: 1 variant allele.
Comment: BP4, BP7

Blueprint Genetics
Classification: Likely benign. Last evaluated: 2024-05-14. Review status: criteria provided, single submitter. Criteria: ACMG Guidelines, 2015. Collection method: clinical testing. Allele origin: germline.

Labcorp Genetics (formerly Invitae), Labcorp
Classification: Likely benign. Last evaluated: 2023-11-27. Review status: criteria provided, single submitter. Criteria: Invitae Variant Classification Sherloc (09022015). Collection method: clinical testing. Allele origin: germline.

PreventionGenetics, part of Exact Sciences
Classification: Likely benign for MAGI2-related condition. Last evaluated: 2022-04-15. Review status: no assertion criteria provided. Collection method: clinical testing. Allele origin: germline. Not counted in ClinVar's aggregate classification.
Comment: This variant is classified as likely benign based on ACMG/AMP sequence variant interpretation guidelines (Richards et al. 2015 PMID: 25741868, with internal and published modifications).